The following is an entry in ClinVar:

NM_198576.4(AGRN):c.1765A>G (p.Ile589Val)

Gene: AGRN (agrin; plus strand). Cytogenetic location: 1p36.33.
Variant type: single nucleotide variant.
Coding change: c.1765A>G on transcript NM_198576.4 (MANE Select); coding-DNA position 1765, A replaced by G.
Protein change: p.Ile589Val; replaces isoleucine 589 with valine.
Molecular consequence: missense variant.
Genome position (GRCh38, 1-based): chr1:1,043,699, A>G. VCF-style: chr1-1043699-A-G. GRCh37 (hg19) VCF-style: chr1-979079-A-G.
Other names: c.1765A>G, p.Ile589Val (NM_001305275.2); c.1450A>G, p.Ile484Val (NM_001364727.2); short protein forms I484V, I589V.
Identifiers: ClinVar variation 1432924 (VCV001432924.5), dbSNP rs1333774861, ClinGen allele CA337833969.

ClinVar aggregate classification (germline): Uncertain significance (1 of 4 stars; one submission).

Conditions:
Congenital myasthenic syndrome 8. Also called: MYASTHENIC SYNDROME, CONGENITAL, DUE TO AGRIN DEFICIENCY; Myasthenic syndrome, congenital, 8, with pre- and postsynaptic defects. Identifiers: Orphanet 590, MedGen C3808739, MONDO:0014052, OMIM 615120.

Allele frequency attached by ClinVar (database versions not stated): gnomAD exomes below 0.00001.
gnomAD v4.1: 1 of 1,600,702 alleles (0.000062%); highest among the groups gnomAD compares: Non-Finnish European, 0.000085%; no homozygotes.

Submission:

Labcorp Genetics (formerly Invitae), Labcorp
Classification: Uncertain significance for Congenital myasthenic syndrome 8. Last evaluated: 2022-08-21. Review status: criteria provided, single submitter. Criteria: Invitae Variant Classification Sherloc (09022015). Collection method: clinical testing. Allele origin: germline.
Comment: This sequence change replaces isoleucine, which is neutral and non-polar, with valine, which is neutral and non-polar, at codon 589 of the AGRN protein (p.Ile589Val). This variant is not present in population databases (gnomAD no frequency). This variant has not been reported in the literature in individuals affected with AGRN-related conditions. ClinVar contains an entry for this variant (Variation ID: 1432924). Algorithms developed to predict the effect of missense changes on protein structure and function output the following: SIFT: "Tolerated"; PolyPhen-2: "Benign"; Align-GVGD: "Class C0". The valine amino acid residue is found in multiple mammalian species, which suggests that this missense change does not adversely affect protein function. Algorithms developed to predict the effect of sequence changes on RNA splicing suggest that this variant may create or strengthen a splice site. In summary, the available evidence is currently insufficient to determine the role of this variant in disease. Therefore, it has been classified as a Variant of Uncertain Significance.